The following is an entry in ClinVar:

NM_014927.5(CNKSR2):c.2087C>A (p.Ser696Ter)

Gene: CNKSR2 (connector enhancer of kinase suppressor of Ras 2; plus strand). Cytogenetic location: Xp22.12.
Variant type: single nucleotide variant.
Coding change: c.2087C>A on transcript NM_014927.5 (MANE Select); coding-DNA position 2087, C replaced by A.
Protein change: p.Ser696Ter; replaces serine 696 with a stop codon.
Molecular consequence: nonsense.
Genome position (GRCh38, 1-based): chrX:21,606,821, C>A. VCF-style: chrX-21606821-C-A. GRCh37 (hg19) VCF-style: chrX-21624939-C-A.
Other names: c.1997C>A, p.Ser666Ter (NM_001168647.3, NM_001330773.2); c.2087C>A, p.Ser696Ter (NM_001168648.3); c.1940C>A, p.Ser647Ter (NM_001168649.3, NM_001330770.2); c.1850C>A, p.Ser617Ter (NM_001330771.2, NM_001330772.2); short protein forms S617*, S647*, S666*, S696*.
Identifiers: ClinVar variation 4850518 (VCV004850518.1).

ClinVar aggregate classification (germline): Likely pathogenic (1 of 4 stars; one submission).

Conditions:
Intellectual developmental disorder, X-linked, syndromic, Houge type. Also called: MENTAL RETARDATION, X-LINKED, SYNDROMIC, HOUGE TYPE; Intellectual disability, X-linked, syndromic, Houge type. Identifiers: MedGen C4538788, MONDO:0030909, OMIM 301008.

Submission:

Unidad de Genómica Garrahan, Hospital de Pediatría Garrahan
Classification: Likely pathogenic for Intellectual developmental disorder, X-linked, syndromic, Houge type. Last evaluated: 2026-03-20. Review status: criteria provided, single submitter. Criteria: ACMG Guidelines, 2015. Collection method: clinical testing. Allele origin: unknown. Inheritance: X-linked inheritance. Affected: yes. Observed: 1 variant allele, 1 hemizygote.
Comment: A hemizygous nonsense variant, NM_014927.5:c.2087C>A, was identified in exon 19 of the CNKSR2 gene. This nucleotide change introduces a premature stop codon p.(Ser696*), which would be expected to result in mRNA degradation and absence of a functional protein. However, to date, no functional studies have been reported to confirm this effect. The variant is absent or extremely rare in population databases (<0.01%). In addition, no submissions for this variant are currently available in ClinVar, and no reports have been identified in the scientific literature.Criteria:PVS1_very strong, PM2_moderate